The following is an entry in ClinVar:

NM_006059.4(LAMC3):c.1271A>G (p.Glu424Gly)

Gene: LAMC3 (laminin subunit gamma 3; plus strand). Cytogenetic location: 9q34.12.
Variant type: single nucleotide variant.
Coding change: c.1271A>G on transcript NM_006059.4 (MANE Select); coding-DNA position 1271, A replaced by G.
Protein change: p.Glu424Gly; replaces glutamic acid 424 with glycine.
Molecular consequence: missense variant.
Genome position (GRCh38, 1-based): chr9:131,039,236, A>G. VCF-style: chr9-131039236-A-G. GRCh37 (hg19) VCF-style: chr9-133914623-A-G.
Other names: c.1271A>G (NM_006059.3); short protein forms E424G.
Identifiers: ClinVar variation 2186563 (VCV002186563.3), dbSNP rs1834000447, ClinGen allele CA375259956.
Genomic context (GRCh38, chr9:131,039,236, plus strand): 5'-AGCCCACGGTGACTGGCTGGAAGTGTGACCGCTGTCTGCCCGGGTTCCACTCGCTCAGTG[A>G]GGGAGGCTGCAGGTGAGGGCGAGGGGCGGCCCAGTATGGACACATTGCACTGAATGACAA-3'
Protein context (NP_006050.3, residues 414-434): RCLPGFHSLS[Glu424Gly]GGCRPCTCNP

ClinVar aggregate classification (germline): Uncertain significance. Review status: criteria provided, multiple submitters, no conflicts (2 of 4 stars). 2 submissions from 2 submitters: Uncertain significance (2). Last evaluated 2023-12-16.

Conditions:
Inborn genetic diseases. Identifiers: MedGen C0950123, MeSH D030342.

Allele frequency attached by ClinVar (database versions not stated): gnomAD 0.00001; TOPMed 0.00001.
gnomAD v4.1: 3 of 1,604,942 alleles (0.00019%); highest among the groups gnomAD compares: Admixed American, 0.0033%; no homozygotes.

Submissions (2):

Ambry Genetics
Classification: Uncertain significance for Inborn genetic diseases. Last evaluated: 2023-12-16. Review status: criteria provided, single submitter. Criteria: Ambry Variant Classification Scheme 2023. Collection method: clinical testing. Allele origin: germline.

Labcorp Genetics (formerly Invitae), Labcorp
Classification: Uncertain significance. Last evaluated: 2023-07-10. Review status: criteria provided, single submitter. Criteria: Invitae Variant Classification Sherloc (09022015). Collection method: clinical testing. Allele origin: germline.
Comment: This sequence change replaces glutamic acid, which is acidic and polar, with glycine, which is neutral and non-polar, at codon 424 of the LAMC3 protein (p.Glu424Gly). This variant is not present in population databases (gnomAD no frequency). This variant has not been reported in the literature in individuals affected with LAMC3-related conditions. ClinVar contains an entry for this variant (Variation ID: 2186563). An algorithm developed to predict the effect of missense changes on protein structure and function (PolyPhen-2) suggests that this variant is likely to be disruptive. In summary, the available evidence is currently insufficient to determine the role of this variant in disease. Therefore, it has been classified as a Variant of Uncertain Significance.